The following is an entry in ClinVar:

ClinVar aggregate classification (germline): Conflicting classifications of pathogenicity. Review status: criteria provided, conflicting classifications (1 of 4 stars). 4 submissions from 4 submitters: Uncertain significance (3); Likely benign (1). Last evaluated 2025-12-16.

Conditions:
Hereditary cancer-predisposing syndrome. Also called: Hereditary Cancer Syndrome; Tumor predisposition; Hereditary neoplastic syndrome; Neoplastic Syndromes, Hereditary. Identifiers: Orphanet 140162, MedGen C0027672, MeSH D009386, MONDO:0015356.
Familial meningioma. Also called: Meningioma, familial, susceptibility to. Identifiers: Orphanet 263662, MedGen C3551915, MONDO:0011789, OMIM 607174.

gnomAD v4.1: 2 of 1,613,836 alleles (0.00012%); highest among the groups gnomAD compares: Non-Finnish European, 0.00017%; no homozygotes.

Submissions (4):

Labcorp Genetics (formerly Invitae), Labcorp
Classification: Uncertain significance for Familial meningioma. Last evaluated: 2025-12-16. Review status: criteria provided, single submitter. Criteria: Invitae Variant Classification Sherloc (09022015). Collection method: clinical testing. Allele origin: germline.
Comment: This sequence change replaces alanine, which is neutral and non-polar, with threonine, which is neutral and polar, at codon 394 of the SMARCE1 protein (p.Ala394Thr). This variant is not present in population databases (gnomAD no frequency). This variant has not been reported in the literature in individuals affected with SMARCE1-related conditions. ClinVar contains an entry for this variant (Variation ID: 647309). An algorithm developed to predict the effect of missense changes on protein structure and function (PolyPhen-2) suggests that this variant is likely to be tolerated. In summary, the available evidence is currently insufficient to determine the role of this variant in disease. Therefore, it has been classified as a Variant of Uncertain Significance.

GeneDx
Classification: Uncertain significance. Last evaluated: 2023-12-05. Review status: criteria provided, single submitter. Criteria: GeneDx Variant Classification Process June 2021. Collection method: clinical testing. Allele origin: germline. Affected: yes.
Comment: Not observed at significant frequency in large population cohorts (gnomAD); In silico analysis supports that this missense variant does not alter protein structure/function; Has not been previously published as pathogenic or benign to our knowledge; This variant is associated with the following publications: (PMID: 19245665)

Ambry Genetics
Classification: Likely benign for Hereditary cancer-predisposing syndrome. Last evaluated: 2023-11-13. Review status: criteria provided, single submitter. Criteria: Ambry Variant Classification Scheme 2023. Collection method: clinical testing. Allele origin: germline.

Baylor Genetics
Classification: Uncertain significance for Familial meningioma. Last evaluated: 2023-08-31. Review status: criteria provided, single submitter. Criteria: ACMG Guidelines, 2015. Collection method: clinical testing. Allele origin: unknown.

NM_003079.5(SMARCE1):c.1180G>A (p.Ala394Thr)

Gene: SMARCE1 (SWI/SNF related BAF chromatin remodeling complex subunit E1; minus strand). Cytogenetic location: 17q21.2.
Variant type: single nucleotide variant.
Coding change: c.1180G>A on transcript NM_003079.5 (MANE Select); coding-DNA position 1180, G replaced by A.
Protein change: p.Ala394Thr; replaces alanine 394 with threonine.
Molecular consequence: missense variant.
Genome position (GRCh38, 1-based): chr17:40,628,841, C>T on the plus strand (G>A on the coding strand, the complement: SMARCE1 is on the minus strand). VCF-style: chr17-40628841-C-T. GRCh37 (hg19) VCF-style: chr17-38785093-C-T.
Other names: short protein forms A394T.
Identifiers: ClinVar variation 647309 (VCV000647309.17), dbSNP rs1597741198, ClinGen allele CA399360974.